The following is an entry in ClinVar:

ClinVar aggregate classification (germline): Uncertain significance (0 of 4 stars; one submission).

Conditions:
TFAP2A-related disorder. Also called: TFAP2A-related condition.

gnomAD v4.1: 4 of 1,612,826 alleles (0.00025%); highest among the groups gnomAD compares: Non-Finnish European, 0.00034%; no homozygotes.

Submission:

PreventionGenetics, part of Exact Sciences
Classification: Uncertain significance for TFAP2A-related condition. Last evaluated: 2024-03-26. Review status: no assertion criteria provided. Collection method: clinical testing. Allele origin: germline.
Comment: The TFAP2A c.320T>G variant is predicted to result in the amino acid substitution p.Leu107Arg. To our knowledge, this variant has not been reported in the literature or in a large population database, indicating this variant is rare. At this time, the clinical significance of this variant is uncertain due to the absence of conclusive functional and genetic evidence.

NM_001372066.1(TFAP2A):c.326T>G (p.Leu109Arg)

Gene: TFAP2A (transcription factor AP-2 alpha; minus strand). Cytogenetic location: 6p24.3.
Variant type: single nucleotide variant.
Coding change: c.326T>G on transcript NM_001372066.1 (MANE Select); coding-DNA position 326, T replaced by G.
Protein change: p.Leu109Arg; replaces leucine 109 with arginine.
Molecular consequence: missense variant.
Genome position (GRCh38, 1-based): chr6:10,410,061, A>C on the plus strand (T>G on the coding strand, the complement: TFAP2A is on the minus strand). VCF-style: chr6-10410061-A-C. GRCh37 (hg19) VCF-style: chr6-10410294-A-C.
Other names: NM_003220.2:c.320T>G; c.302T>G, p.Leu101Arg (NM_001032280.3); c.308T>G, p.Leu103Arg (NM_001042425.3); short protein forms L101R, L103R, L109R.
Identifiers: ClinVar variation 3351175 (VCV003351175.1).
Genomic context (GRCh38, chr6:10,410,061, plus strand): 5'-TAGTCCCTGCGAGGATCCAGGCCCGACAGCTGGTGAGGCAGCCCCCGGTGCGTGTGCAGG[A>C]GCCCAGACTCCTGGCTCTGCCTCTGGCCGGGCCAGCCTGGGTGCTGCGGCTGCGGCTGGG-3'
Protein context (NP_001358995.1, residues 99-119): PGQRQSQESG[Leu109Arg]LHTHRGLPHQ